The following is an entry in ClinVar:

ClinVar aggregate classification (germline): Uncertain significance (1 of 4 stars; one submission).

Allele frequency attached by ClinVar (database versions not stated): gnomAD 0.00001; gnomAD exomes 0.00002; TOPMed 0.00003; ExAC 0.00004; 1000 Genomes Project 30x 0.00016.

Submission:

Labcorp Genetics (formerly Invitae), Labcorp
Classification: Uncertain significance. Last evaluated: 2023-09-27. Review status: criteria provided, single submitter. Criteria: Invitae Variant Classification Sherloc (09022015). Collection method: clinical testing. Allele origin: germline.
Comment: In summary, the available evidence is currently insufficient to determine the role of this variant in disease. Therefore, it has been classified as a Variant of Uncertain Significance. Experimental studies and prediction algorithms are not available or were not evaluated, and the effect of this variant on mRNA splicing is currently unknown. This variant has not been reported in the literature in individuals affected with MAP3K7-related conditions. This variant is present in population databases (rs758684915, gnomAD 0.02%). This sequence change falls in intron 1 of the MAP3K7 gene. It does not directly change the encoded amino acid sequence of the MAP3K7 protein.

NM_145331.3(MAP3K7):c.120+8_120+27del

Gene: MAP3K7 (mitogen-activated protein kinase kinase kinase 7; minus strand). Cytogenetic location: 6q15.
Variant type: Deletion.
Coding change: c.120+8_120+27del on transcript NM_145331.3 (MANE Select); bases 8 to 27 of the intron after coding-DNA position 120, 20 bases deleted (AGGCCCGGCATGGAGACGCC).
Molecular consequence: intron variant.
Genome position (GRCh38, 1-based): chr6:90,586,737-90,586,756, GGCGTCTCCATGCCGGGCCT deleted on the plus strand (AGGCCCGGCATGGAGACGCC on the coding strand, the reverse complement: MAP3K7 is on the minus strand). VCF-style (leftmost placement, unchanged base first): chr6-90586736-CGGCGTCTCCATGCCGGGCCT-C. GRCh37 (hg19) VCF-style: chr6-91296455-CGGCGTCTCCATGCCGGGCCT-C.
Other names: c.120+8_120+27del (NM_145333.3, NM_003188.4, NM_145332.3).
Identifiers: ClinVar variation 2886680 (VCV002886680.3), dbSNP rs758684915, ClinGen allele CA3928758.
Genomic context (GRCh38, chr6:90,586,736, plus strand): 5'-CCCCGGGAGGCACCTTCAGAGCCGGCACCAGGCAGAGGCGGGGGCGGGGCAGGCCGGGAC[CGGCGTCTCCATGCCGGGCCT>C]CGCTCACCTCTTCCACCTCGATCTCCTTGTAGTCGATCTCTTCAAAGTTGAGGACCTGGG-3'